The following is an entry in ClinVar:

NM_024408.4(NOTCH2):c.4145C>A (p.Pro1382His)

Gene: NOTCH2 (notch receptor 2; minus strand). Cytogenetic location: 1p12.
Variant type: single nucleotide variant.
Coding change: c.4145C>A on transcript NM_024408.4 (MANE Select); coding-DNA position 4145, C replaced by A.
Protein change: p.Pro1382His; replaces proline 1382 with histidine.
Molecular consequence: missense variant.
Genome position (GRCh38, 1-based): chr1:119,925,671, G>T on the plus strand (C>A on the coding strand, the complement: NOTCH2 is on the minus strand). VCF-style: chr1-119925671-G-T. GRCh37 (hg19) VCF-style: chr1-120468294-G-T.
Other names: short protein forms P1382H.
Identifiers: ClinVar variation 1336829 (VCV001336829.9), dbSNP rs1418033447, ClinGen allele CA16040215.
Genomic context (GRCh38, chr1:119,925,671, plus strand): 5'-CACTGGCAGGAGTAATAAGGAGGCTGGCGCTGAGGGTGGCAGCTGCCCCCGTGCTGGCAG[G>T]GGCTACTGGCACAGCCTGACTCGCAGTCCCGGGGACTGGGGCAGAAGCAGCGGGGTCCAG-3'
Protein context (NP_077719.2, residues 1372-1392): RDCESGCASS[Pro1382His]CQHGGSCHPQ

ClinVar aggregate classification (germline): Uncertain significance. Review status: criteria provided, multiple submitters, no conflicts (2 of 4 stars). 2 submissions from 2 submitters: Uncertain significance (2). Last evaluated 2022-08-04.

Conditions:
Hajdu-Cheney syndrome (HJCYS). Also called: SERPENTINE FIBULA-POLYCYSTIC KIDNEY SYNDROME; Acroosteolysis dominant type; ACROOSTEOLYSIS WITH OSTEOPOROSIS AND CHANGES IN SKULL AND MANDIBLE. Identifiers: Orphanet 955, MedGen C0917715, MONDO:0007057, OMIM 102500.

Allele frequency attached by ClinVar (database versions not stated): gnomAD exomes below 0.00001 and 0.00001; gnomAD 0.00001; TOPMed 0.00001.
gnomAD v4.1: 3 of 1,612,332 alleles (0.00019%); highest among the groups gnomAD compares: Admixed American, 0.0017%; no homozygotes.

Submissions (2):

Labcorp Genetics (formerly Invitae), Labcorp
Classification: Uncertain significance for Hajdu-Cheney syndrome. Last evaluated: 2022-08-04. Review status: criteria provided, single submitter. Criteria: Invitae Variant Classification Sherloc (09022015). Collection method: clinical testing. Allele origin: germline.
Comment: This variant is present in population databases (no rsID available, gnomAD 0.003%). In summary, the available evidence is currently insufficient to determine the role of this variant in disease. Therefore, it has been classified as a Variant of Uncertain Significance. Algorithms developed to predict the effect of missense changes on protein structure and function (SIFT, PolyPhen-2, Align-GVGD) all suggest that this variant is likely to be disruptive. ClinVar contains an entry for this variant (Variation ID: 1336829). This variant has not been reported in the literature in individuals affected with NOTCH2-related conditions. This sequence change replaces proline, which is neutral and non-polar, with histidine, which is basic and polar, at codon 1382 of the NOTCH2 protein (p.Pro1382His).

Genetic Services Laboratory, University of Chicago
Classification: Uncertain significance. Last evaluated: 2018-08-07. Review status: criteria provided, single submitter. Criteria: ACMG Guidelines, 2015. Collection method: clinical testing. Allele origin: germline. Affected: no.